The following is an entry in ClinVar:

NM_002907.4(RECQL):c.778C>T (p.His260Tyr)

Gene: RECQL (RecQ like helicase; minus strand). Cytogenetic location: 12p12.1.
Variant type: single nucleotide variant.
Coding change: c.778C>T on transcript NM_002907.4 (MANE Select); coding-DNA position 778, C replaced by T.
Protein change: p.His260Tyr; replaces histidine 260 with tyrosine.
Molecular consequence: missense variant.
Genome position (GRCh38, 1-based): chr12:21,477,892, G>A on the plus strand (C>T on the coding strand, the complement: RECQL is on the minus strand). VCF-style: chr12-21477892-G-A. GRCh37 (hg19) VCF-style: chr12-21630826-G-A.
Other names: c.778C>T, p.His260Tyr (NM_032941.3); short protein forms H260Y.
Identifiers: ClinVar variation 3222986 (VCV003222986.1), dbSNP rs2540356561, ClinGen allele CA384124629.

ClinVar aggregate classification (germline): Uncertain significance (1 of 4 stars; one submission).

Allele frequency attached by ClinVar (database versions not stated): gnomAD exomes below 0.00001.
gnomAD v4.1: 1 of 1,613,970 alleles (0.000062%); highest among the groups gnomAD compares: Non-Finnish European, 0.000085%; no homozygotes.

Submission:

Ambry Genetics
Classification: Uncertain significance. Last evaluated: 2023-11-27. Review status: criteria provided, single submitter. Criteria: Ambry Variant Classification Scheme 2023. Collection method: clinical testing. Allele origin: germline.
Comment: The p.H260Y variant (also known as c.778C>T), located in coding exon 6 of the RECQL gene, results from a C to T substitution at nucleotide position 778. The histidine at codon 260 is replaced by tyrosine, an amino acid with similar properties. This amino acid position is conserved. In addition, this alteration is predicted to be tolerated by in silico analysis. Since supporting evidence is limited at this time, the clinical significance of this alteration remains unclear.